The following is an entry in ClinVar:

NM_001379403.1(WDR26):c.178TCC[11] (p.Ser67_Val68insSerSerSer)

Gene: WDR26 (WD repeat domain 26; minus strand). Cytogenetic location: 1q42.12.
Variant type: Microsatellite.
Coding change: c.178TCC[11] on transcript NM_001379403.1 (MANE Select); 11 copies in a row of the 3-base unit TCC starting at c.178; the reference has eight copies in a row; three copies, 9 bases duplicated.
Protein change: p.Ser67_Val68insSerSerSer.
Molecular consequence: inframe insertion. On other transcripts: 5 prime UTR variant (2).
Genome position (GRCh38, 1-based): chr1:224,434,205-224,434,213, GGAGGAGGA duplicated on the plus strand (TCCTCCTCC on the coding strand, the reverse complement: WDR26 is on the minus strand); duplicating any 9 consecutive bases within chr1:224,434,205-224,434,228 gives the same sequence; the position shown is the placement nearest the transcript's 3' end. VCF-style (leftmost placement, unchanged base first): chr1-224434204-C-CGGAGGAGGA. GRCh37 (hg19) VCF-style: chr1-224621906-C-CGGAGGAGGA.
Other names: c.-123TCC[11] (NM_001115113.3, NM_025160.7).
Identifiers: ClinVar variation 2639934 (VCV002639934.24), dbSNP rs144531645, ClinGen allele CA529391023.

ClinVar aggregate classification (germline): Likely benign (1 of 4 stars; one submission).

Submission:

CeGaT Center for Human Genetics Tuebingen
Classification: Likely benign. Last evaluated: 2026-08-01. Review status: criteria provided, single submitter. Criteria: CeGaT Center For Human Genetics Tuebingen Variant Classification Criteria Version 2. Collection method: clinical testing. Allele origin: germline. Affected: yes. Observed: 14 variant alleles.
Comment: WDR26: BS1